The following is an entry in ClinVar:

NM_000168.6(GLI3):c.3481C>T (p.Gln1161Ter)

Gene: GLI3 (GLI family zinc finger 3; minus strand). Cytogenetic location: 7p14.1.
Variant type: single nucleotide variant.
Coding change: c.3481C>T on transcript NM_000168.6 (MANE Select); coding-DNA position 3481, C replaced by T.
Protein change: p.Gln1161Ter; replaces glutamine 1161 with a stop codon.
Molecular consequence: nonsense.
Genome position (GRCh38, 1-based): chr7:41,965,592, G>A on the plus strand (C>T on the coding strand, the complement: GLI3 is on the minus strand). VCF-style: chr7-41965592-G-A. GRCh37 (hg19) VCF-style: chr7-42005190-G-A.
Other names: short protein forms Q1161*.
Identifiers: ClinVar variation 38326 (VCV000038326.12), dbSNP rs116840770, ClinGen allele CA342945.

ClinVar aggregate classification (germline): Pathogenic (1 of 4 stars; one submission).

Conditions:
Greig cephalopolysyndactyly syndrome (GCPS). Also called: GLI3-Related Greig Cephalopolysyndactyly Syndrome; POLYSYNDACTYLY WITH PECULIAR SKULL SHAPE; Greig syndrome. Identifiers: Orphanet 380, MedGen C0265306, MONDO:0008287, OMIM 175700.
Pallister-Hall syndrome (PHS). Also called: GLI3-Related Pallister-Hall Syndrome; HYPOTHALAMIC HAMARTOBLASTOMA, HYPOPITUITARISM, IMPERFORATE ANUS, AND POSTAXIAL POLYDACTYLY. Identifiers: Orphanet 672, MedGen C0265220, MONDO:0007804, OMIM 146510.

Submission:

Labcorp Genetics (formerly Invitae), Labcorp
Classification: Pathogenic for Pallister-Hall syndrome; Greig cephalopolysyndactyly syndrome. Last evaluated: 2018-12-27. Review status: criteria provided, single submitter. Criteria: Invitae Variant Classification Sherloc (09022015). Collection method: clinical testing. Allele origin: germline.
Comment: For these reasons, this variant has been classified as Pathogenic. This variant disrupts the C-terminus of the GLI3 protein. Other variant(s) that disrupt this region (p.Thr1488Lysfs*23) have been determined to be pathogenic (PMID: 24736735). This suggests that variants that disrupt this region of the protein are likely to be causative of disease. Experimental studies and prediction algorithms are not available for this variant, and the functional significance of the affected amino acid(s) is currently unknown. This variant has not been reported in the literature in individuals with GLI3-related conditions. ClinVar contains an entry for this variant (Variation ID: 38326). This variant is not present in population databases (ExAC no frequency). This sequence change results in a premature translational stop signal in the GLI3 gene (p.Gln1161*). While this is not anticipated to result in nonsense mediated decay, it is expected to disrupt the last 420 amino acids of the GLI3 protein.

Literature cited by the submitters: PubMed 24736735.